The following is an entry in ClinVar:

ClinVar aggregate classification (germline): Uncertain significance (1 of 4 stars; one submission).

Submission:

Labcorp Genetics (formerly Invitae), Labcorp
Classification: Uncertain significance. Last evaluated: 2023-08-25. Review status: criteria provided, single submitter. Criteria: Invitae Variant Classification Sherloc (09022015). Collection method: clinical testing. Allele origin: germline.
Comment: This variant is not present in population databases (gnomAD no frequency). This sequence change replaces alanine, which is neutral and non-polar, with threonine, which is neutral and polar, at codon 262 of the SRP54 protein (p.Ala262Thr). This variant has not been reported in the literature in individuals affected with SRP54-related conditions. In summary, the available evidence is currently insufficient to determine the role of this variant in disease. Therefore, it has been classified as a Variant of Uncertain Significance. An algorithm developed to predict the effect of missense changes on protein structure and function (PolyPhen-2) suggests that this variant is likely to be disruptive.

NM_003136.4(SRP54):c.784G>A (p.Ala262Thr)

Gene: SRP54 (signal recognition particle 54; plus strand). Cytogenetic location: 14q13.2.
Variant type: single nucleotide variant.
Coding change: c.784G>A on transcript NM_003136.4 (MANE Select); coding-DNA position 784, G replaced by A.
Protein change: p.Ala262Thr; replaces alanine 262 with threonine.
Molecular consequence: missense variant.
Genome position (GRCh38, 1-based): chr14:35,013,493, G>A. VCF-style: chr14-35013493-G-A. GRCh37 (hg19) VCF-style: chr14-35482699-G-A.
Other names: c.637G>A, p.Ala213Thr (NM_001146282.2); c.784G>A, p.Ala262Thr (NM_001411017.1); short protein forms A213T, A262T.
Identifiers: ClinVar variation 2753606 (VCV002753606.3), dbSNP rs2502760800, ClinGen allele CA389443893.